The following is an entry in ClinVar:

NM_000243.3(MEFV):c.407G>A (p.Gly136Glu)

Gene: MEFV (MEFV innate immunity regulator, pyrin; minus strand). Cytogenetic location: 16p13.3.
Variant type: single nucleotide variant.
Coding change: c.407G>A on transcript NM_000243.3 (MANE Select); coding-DNA position 407, G replaced by A.
Protein change: p.Gly136Glu; replaces glycine 136 with glutamic acid.
Molecular consequence: missense variant. On other transcripts: intron variant (1).
Genome position (GRCh38, 1-based): chr16:3,254,661, C>T on the plus strand (G>A on the coding strand, the complement: MEFV is on the minus strand). VCF-style: chr16-3254661-C-T. GRCh37 (hg19) VCF-style: chr16-3304661-C-T.
Other names: c.277+1650G>A (NM_001198536.2); short protein forms G136E.
Identifiers: ClinVar variation 234351 (VCV000234351.12), dbSNP rs876660989, ClinGen allele CA10577526.

ClinVar aggregate classification (germline): Conflicting classifications of pathogenicity. Review status: criteria provided, conflicting classifications (1 of 4 stars). 8 submissions from 6 submitters: Uncertain significance (6); Likely benign (2). Last evaluated 2024-12-30.

Conditions:
Acute febrile neutrophilic dermatosis (AFND). Also called: Sweet Syndrome; Gomm Button disease. Identifiers: Orphanet 3243, MedGen C0085077, MONDO:0011959, OMIM 608068.
Familial Mediterranean fever (FMF). Also called: POLYSEROSITIS, FAMILIAL PAROXYSMAL; POLYSEROSITIS, RECURRENT; Periodic peritonitis; Benign paroxysmal peritonitis. Identifiers: Orphanet 342, MedGen C0031069, MONDO:0018088, OMIM 249100. Disease mechanism: gain of function.
Familial Mediterranean fever, autosomal dominant. Also called: FMF, AUTOSOMAL DOMINANT; Dominant Familial Mediterranean Fever. Identifiers: Orphanet 342, MedGen C1851347, MONDO:0007601, OMIM 134610.
MEFV-related disorder. Also called: MEFV-related disorders; MEFV-related condition.

Allele frequency attached by ClinVar (database versions not stated): TOPMed 0.00002.
gnomAD v4.1: 74 of 1,610,872 alleles (0.0046%); highest among the groups gnomAD compares: Non-Finnish European, 0.006%; no homozygotes.

Submissions (8):

PreventionGenetics, part of Exact Sciences
Classification: Uncertain significance for MEFV-related condition. Last evaluated: 2024-12-30. Review status: criteria provided, single submitter. Criteria: ACMG Guidelines, 2015. Collection method: clinical testing. Allele origin: germline.
Comment: The MEFV c.407G>A variant is predicted to result in the amino acid substitution p.Gly136Glu. This variant has been reported in the heterozygous state in an individual with symptoms of familial Mediterranean fever (FMF) (Mohammadnejad et al. 2013. PubMed ID: 23862117). This variant is reported in 0.0068% of alleles in individuals of African descent in gnomAD. At this time, the clinical significance of this variant is uncertain due to the absence of conclusive functional and genetic evidence.

Genome-Nilou Lab
Classification: Uncertain significance for Familial Mediterranean fever. Last evaluated: 2023-02-08. Review status: criteria provided, single submitter. Criteria: ACMG Guidelines, 2015. Collection method: clinical testing. Allele origin: germline.

Genome-Nilou Lab
Classification: Likely benign for Familial Mediterranean fever, autosomal dominant. Last evaluated: 2023-02-08. Review status: criteria provided, single submitter. Criteria: ACMG Guidelines, 2015. Collection method: clinical testing. Allele origin: germline.

Genome-Nilou Lab
Classification: Likely benign for Acute febrile neutrophilic dermatosis. Last evaluated: 2023-02-08. Review status: criteria provided, single submitter. Criteria: ACMG Guidelines, 2015. Collection method: clinical testing. Allele origin: germline.

Labcorp Genetics (formerly Invitae), Labcorp
Classification: Uncertain significance for Familial Mediterranean fever. Last evaluated: 2021-08-20. Review status: criteria provided, single submitter. Criteria: Invitae Variant Classification Sherloc (09022015). Collection method: clinical testing. Allele origin: germline.
Comment: This sequence change replaces glycine with glutamic acid at codon 136 of the MEFV protein (p.Gly136Glu). The glycine residue is weakly conserved and there is a moderate physicochemical difference between glycine and glutamic acid. This variant is not present in population databases (ExAC no frequency). This missense change has been observed in individual(s) with familial mediterranean fever (PMID: 23862117). ClinVar contains an entry for this variant (Variation ID: 234351). Algorithms developed to predict the effect of missense changes on protein structure and function are either unavailable or do not agree on the potential impact of this missense change (SIFT: "Tolerated"; PolyPhen-2: "Possibly Damaging"; Align-GVGD: "Class C0"). In summary, the available evidence is currently insufficient to determine the role of this variant in disease. Therefore, it has been classified as a Variant of Uncertain Significance.

Department of Pathology and Laboratory Medicine, Sinai Health System
Classification: Uncertain significance for Familial Mediterranean fever, autosomal dominant; Familial Mediterranean fever; Acute febrile neutrophilic dermatosis. Last evaluated: 2021-07-30. Review status: criteria provided, single submitter. Criteria: ACMG Guidelines, 2015. Collection method: research. Allele origin: germline.

Mendelics
Classification: Uncertain significance for Familial Mediterranean fever. Last evaluated: 2019-05-28. Review status: criteria provided, single submitter. Criteria: Mendelics Assertion Criteria 2017. Collection method: clinical testing. Allele origin: unknown.

GeneDx
Classification: Uncertain significance. Last evaluated: 2015-07-23. Review status: criteria provided, single submitter. Criteria: GeneDx Variant Classification (06012015). Collection method: clinical testing. Allele origin: germline. Affected: yes.
Comment: The G136E variant has been reported previously as a novel variant identified in an individual diagnosed with familial Mediterranean fever syndrome (Mohammadnejad et al. 2013). The G136E variant was not observed in approximately 6,400 individuals of European and African American ancestry in the NHLBI Exome Sequencing Project, indicating it is not a common benign variant in these populations. The G136E variant is a non-conservative amino acid substitution, which is likely to impact secondary protein structure as these residues differ in polarity, charge, size and/or other properties. This substitution occurs at a position that is not conserved. In silico analysis is inconsistent in its predictions as to whether or not the variant is damaging to the protein structure/function. Missense mutations in nearby residues (E128V, G138A, S141L, R143P) have been reported in the Human Gene Mutation Database in association with MEFV-related disorders (Stenson et al., 2014), supporting the functional importance of this region of the protein. Therefore, based on the currently available information, it is unclear whether this variant is a pathogenic mutation or a rare benign variant.

Literature cited by the submitters: PubMed 23862117 (cited by Labcorp Genetics (formerly Invitae), Labcorp).